The following is an entry in ClinVar:

NM_000135.4(FANCA):c.1396A>T (p.Ser466Cys)

Gene: FANCA (FA complementation group A; minus strand). Cytogenetic location: 16q24.3.
Variant type: single nucleotide variant.
Coding change: c.1396A>T on transcript NM_000135.4 (MANE Select); coding-DNA position 1396, A replaced by T.
Protein change: p.Ser466Cys; replaces serine 466 with cysteine.
Molecular consequence: missense variant.
Genome position (GRCh38, 1-based): chr16:89,784,928, T>A on the plus strand (A>T on the coding strand, the complement: FANCA is on the minus strand). VCF-style: chr16-89784928-T-A. GRCh37 (hg19) VCF-style: chr16-89851336-T-A.
Other names: c.1396A>T, p.Ser466Cys (NM_001286167.3); short protein forms S466C.
Identifiers: ClinVar variation 4067990 (VCV004067990.2).

ClinVar aggregate classification (germline): Uncertain significance. Review status: criteria provided, single submitter (1 of 4 stars). 2 submissions from 2 submitters: Uncertain significance (1). 1 of the submissions does not count toward it. Last evaluated 2025-02-20.

Conditions:
Fanconi anemia (FA). Also called: Fanconi's anemia. Identifiers: Orphanet 84, MedGen C0015625, MeSH D005199, MONDO:0019391.

Submissions (2):

Labcorp Genetics (formerly Invitae), Labcorp
Classification: Uncertain significance for Fanconi anemia. Last evaluated: 2025-02-20. Review status: criteria provided, single submitter. Criteria: Invitae Variant Classification Sherloc (09022015). Collection method: clinical testing. Allele origin: germline.
Comment: This sequence change replaces serine, which is neutral and polar, with cysteine, which is neutral and slightly polar, at codon 466 of the FANCA protein (p.Ser466Cys). This variant is not present in population databases (gnomAD no frequency). This variant has not been reported in the literature in individuals affected with FANCA-related conditions. Invitae Evidence Modeling of protein sequence and biophysical properties (such as structural, functional, and spatial information, amino acid conservation, physicochemical variation, residue mobility, and thermodynamic stability) has been performed for this missense variant. However, the output from this modeling did not meet the statistical confidence thresholds required to predict the impact of this variant on FANCA protein function. In summary, the available evidence is currently insufficient to determine the role of this variant in disease. Therefore, it has been classified as a Variant of Uncertain Significance.

Natera, Inc.
Classification: Uncertain significance for Fanconi anemia. Last evaluated: 2025-02-26. Review status: no assertion criteria provided. Collection method: clinical testing. Allele origin: germline. Not counted in ClinVar's aggregate classification.